The following is an entry in ClinVar:

ClinVar aggregate classification (germline): Uncertain significance. Review status: criteria provided, multiple submitters, no conflicts (2 of 4 stars). 2 submissions from 2 submitters: Uncertain significance (2). Last evaluated 2022-06-09.

Conditions:
Hereditary cancer-predisposing syndrome. Also called: Tumor predisposition; Hereditary Cancer Syndrome; Neoplastic Syndromes, Hereditary; Hereditary neoplastic syndrome. Identifiers: Orphanet 140162, MedGen C0027672, MeSH D009386, MONDO:0015356.
Hereditary breast ovarian cancer syndrome. Also called: Hereditary breast and ovarian cancer; Breast and ovarian cancer; Hereditary breast and/or ovarian cancer syndrome; Hereditary breast and ovarian cancer syndrome; BRCA1- and BRCA2-Associated Hereditary Breast and Ovarian Cancer; Hereditary breast and ovarian cancer syndrome (HBOC). Identifiers: Orphanet 145, MedGen C0677776, MeSH D061325, MONDO:0003582. Disease mechanism: loss of function.

gnomAD v4.1: 1 of 1,613,850 alleles (0.000062%); highest among the groups gnomAD compares: Non-Finnish European, 0.000085%; no homozygotes.

Submissions (2):

Labcorp Genetics (formerly Invitae), Labcorp
Classification: Uncertain significance for Hereditary breast ovarian cancer syndrome. Last evaluated: 2022-06-09. Review status: criteria provided, single submitter. Criteria: Invitae Variant Classification Sherloc (09022015). Collection method: clinical testing. Allele origin: germline.
Comment: In summary, the available evidence is currently insufficient to determine the role of this variant in disease. Therefore, it has been classified as a Variant of Uncertain Significance. Advanced modeling of protein sequence and biophysical properties (such as structural, functional, and spatial information, amino acid conservation, physicochemical variation, residue mobility, and thermodynamic stability) performed at Invitae indicates that this missense variant is not expected to disrupt BRCA2 protein function. ClinVar contains an entry for this variant (Variation ID: 821553). This variant has not been reported in the literature in individuals affected with BRCA2-related conditions. This variant is not present in population databases (gnomAD no frequency). This sequence change replaces proline, which is neutral and non-polar, with serine, which is neutral and polar, at codon 9 of the BRCA2 protein (p.Pro9Ser).

Ambry Genetics
Classification: Uncertain significance for Hereditary cancer-predisposing syndrome. Last evaluated: 2019-02-18. Review status: criteria provided, single submitter. Criteria: Ambry Variant Classification Scheme 2023. Collection method: clinical testing. Allele origin: germline.
Comment: The p.P9S variant (also known as c.25C>T), located in coding exon 1 of the BRCA2 gene, results from a C to T substitution at nucleotide position 25. The proline at codon 9 is replaced by serine, an amino acid with similar properties. This amino acid position is well conserved in available vertebrate species. In addition, this alteration is predicted to be tolerated by in silico analysis. Since supporting evidence is limited at this time, the clinical significance of this alteration remains unclear.

NM_000059.4(BRCA2):c.25C>T (p.Pro9Ser)

Gene: BRCA2 (BRCA2 DNA repair associated; plus strand). Cytogenetic location: 13q13.1.
Variant type: single nucleotide variant.
Coding change: c.25C>T on transcript NM_000059.4 (MANE Select); coding-DNA position 25, C replaced by T.
Protein change: p.Pro9Ser; replaces proline 9 with serine.
Molecular consequence: missense variant.
Genome position (GRCh38, 1-based): chr13:32,316,485, C>T. VCF-style: chr13-32316485-C-T. GRCh37 (hg19) VCF-style: chr13-32890622-C-T.
Other names: short protein forms P9S.
Identifiers: ClinVar variation 821553 (VCV000821553.9), dbSNP rs1593880685, ClinGen allele CA387752972.